The following is an entry in ClinVar:

NM_021961.6(TEAD1):c.712C>G (p.Leu238Val)

Gene: TEAD1 (TEA domain transcription factor 1; plus strand). Cytogenetic location: 11p15.3.
Variant type: single nucleotide variant.
Coding change: c.712C>G on transcript NM_021961.6 (MANE Select); coding-DNA position 712, C replaced by G.
Protein change: p.Leu238Val; replaces leucine 238 with valine.
Molecular consequence: missense variant.
Genome position (GRCh38, 1-based): chr11:12,901,952, C>G. VCF-style: chr11-12901952-C-G. GRCh37 (hg19) VCF-style: chr11-12923499-C-G.
Other names: short protein forms L238V.
Identifiers: ClinVar variation 1479089 (VCV001479089.6), dbSNP rs1948433455, ClinGen allele CA379714387.
Genomic context (GRCh38, chr11:12,901,952, plus strand): 5'-GTTGATCAAAGAGTTTGTAATGGGAATGTTTCTGTTGGTTTCTTACAGTACAACAAACAC[C>G]TCTTCGTGCACATTGGGCATGCCAACCATTCTTACAGTGACCCATTGCTTGAATCAGTGG-3'
Protein context (NP_068780.2, residues 228-248): QRDPDSYNKH[Leu238Val]FVHIGHANHS

ClinVar aggregate classification (germline): Uncertain significance (1 of 4 stars; one submission).

Allele frequency attached by ClinVar (database versions not stated): TOPMed below 0.00001.
gnomAD v4.1: 1 of 1,614,188 alleles (0.000062%); highest among the groups gnomAD compares: African/African-American, 0.0013%; no homozygotes.

Submission:

Labcorp Genetics (formerly Invitae), Labcorp
Classification: Uncertain significance. Last evaluated: 2022-08-09. Review status: criteria provided, single submitter. Criteria: Invitae Variant Classification Sherloc (09022015). Collection method: clinical testing. Allele origin: germline.
Comment: This sequence change replaces leucine, which is neutral and non-polar, with valine, which is neutral and non-polar, at codon 238 of the TEAD1 protein (p.Leu238Val). This variant is not present in population databases (gnomAD no frequency). This variant has not been reported in the literature in individuals affected with TEAD1-related conditions. ClinVar contains an entry for this variant (Variation ID: 1479089). Algorithms developed to predict the effect of missense changes on protein structure and function are either unavailable or do not agree on the potential impact of this missense change (SIFT: "Deleterious"; PolyPhen-2: "Benign"; Align-GVGD: "Class C25"). In summary, the available evidence is currently insufficient to determine the role of this variant in disease. Therefore, it has been classified as a Variant of Uncertain Significance.